The following is an entry in ClinVar:

ClinVar aggregate classification (germline): Uncertain significance (1 of 4 stars; one submission).

gnomAD v4.1: 3 of 1,614,206 alleles (0.00019%); highest among the groups gnomAD compares: South Asian, 0.0033%; no homozygotes.

Submission:

Labcorp Genetics (formerly Invitae), Labcorp
Classification: Uncertain significance. Last evaluated: 2025-02-03. Review status: criteria provided, single submitter. Criteria: Invitae Variant Classification Sherloc (09022015). Collection method: clinical testing. Allele origin: germline.
Comment: This sequence change replaces alanine, which is neutral and non-polar, with serine, which is neutral and polar, at codon 684 of the HK1 protein (p.Ala684Ser). This variant is present in population databases (no rsID available, gnomAD 0.006%). This variant has not been reported in the literature in individuals affected with HK1-related conditions. Invitae Evidence Modeling of protein sequence and biophysical properties (such as structural, functional, and spatial information, amino acid conservation, physicochemical variation, residue mobility, and thermodynamic stability) indicates that this missense variant is not expected to disrupt HK1 protein function with a negative predictive value of 80%. In summary, the available evidence is currently insufficient to determine the role of this variant in disease. Therefore, it has been classified as a Variant of Uncertain Significance.

NM_000188.3(HK1):c.2050G>T (p.Ala684Ser)

Gene: HK1 (hexokinase 1; plus strand). Cytogenetic location: 10q22.1.
Variant type: single nucleotide variant.
Coding change: c.2050G>T on transcript NM_000188.3 (MANE Select); coding-DNA position 2050, G replaced by T.
Protein change: p.Ala684Ser; replaces alanine 684 with serine.
Molecular consequence: missense variant. On other transcripts: non-coding transcript variant (1).
Genome position (GRCh38, 1-based): chr10:69,392,139, G>T. VCF-style: chr10-69392139-G-T. GRCh37 (hg19) VCF-style: chr10-71151895-G-T.
Other names: c.2062G>T, p.Ala688Ser (NM_001322364.2, NM_001358263.1, NM_033497.3 and 1 more transcripts); c.2155G>T, p.Ala719Ser (NM_001322365.2); c.1966G>T, p.Ala656Ser (NM_001322366.1, NM_001441143.1); c.1954G>T, p.Ala652Ser (NM_001322367.1); c.2047G>T, p.Ala683Ser (NM_001441139.1, NM_033496.3); c.2041G>T, p.Ala681Ser (NM_001441140.1); c.2050G>T, p.Ala684Ser (NM_001441141.1, NM_001441146.1, NM_001441148.1); c.2008G>T, p.Ala670Ser (NM_001441142.1); and 8 more; short protein forms A471S, A610S, A656S, A348S, A554S, A670S, A672S, A681S.
Identifiers: ClinVar variation 4743869 (VCV004743869.1).